The following is an entry in ClinVar:

ClinVar aggregate classification (germline): Uncertain significance. Review status: criteria provided, multiple submitters, no conflicts (2 of 4 stars). 2 submissions from 2 submitters: Uncertain significance (2). Last evaluated 2024-02-14.

Conditions:
Shprintzen-Goldberg syndrome (SGS). Also called: SHPRINTZEN-GOLDBERG CRANIOSYNOSTOSIS SYNDROME; CRANIOSYNOSTOSIS WITH ARACHNODACTYLY AND ABDOMINAL HERNIAS; Marfanoid disorder with craniosynostosis type 1; Marfanoid craniosynostosis syndrome; Shprintzen-Goldberg marfanoid syndrome. Identifiers: Orphanet 2462, MedGen C1321551, MONDO:0008426, OMIM 182212.
Familial thoracic aortic aneurysm and aortic dissection (TAAD). Also called: Thoracic aortic aneurysms and dissections. Identifiers: Orphanet 91387, MedGen C4707243, MONDO:0019625.

Allele frequency attached by ClinVar (database versions not stated): gnomAD exomes below 0.00001; ExAC 0.00001; gnomAD 0.00002; TOPMed 0.00001.
gnomAD v4.1: 8 of 1,613,576 alleles (0.0005%); highest among the groups gnomAD compares: African/African-American, 0.004%; no homozygotes.

Submissions (2):

Ambry Genetics
Classification: Uncertain significance for Familial thoracic aortic aneurysm and aortic dissection. Last evaluated: 2024-02-14. Review status: criteria provided, single submitter. Criteria: Ambry Variant Classification Scheme 2023. Collection method: clinical testing. Allele origin: germline.
Comment: The p.R373H variant (also known as c.1118G>A), located in coding exon 3 of the SKI gene, results from a G to A substitution at nucleotide position 1118. The arginine at codon 373 is replaced by histidine, an amino acid with highly similar properties. This amino acid position is well conserved in available vertebrate species. In addition, the in silico prediction for this alteration is inconclusive. Based on the available evidence, the clinical significance of this alteration remains unclear.

Labcorp Genetics (formerly Invitae), Labcorp
Classification: Uncertain significance for Shprintzen-Goldberg syndrome. Last evaluated: 2020-09-19. Review status: criteria provided, single submitter. Criteria: Invitae Variant Classification Sherloc (09022015). Collection method: clinical testing. Allele origin: germline.
Comment: In summary, the available evidence is currently insufficient to determine the role of this variant in disease. Therefore, it has been classified as a Variant of Uncertain Significance. Algorithms developed to predict the effect of missense changes on protein structure and function are either unavailable or do not agree on the potential impact of this missense change (SIFT: "Deleterious"; PolyPhen-2: "Probably Damaging"; Align-GVGD: "Class C0"). This variant has not been reported in the literature in individuals with SKI-related conditions. This variant is present in population databases (rs768924434, ExAC 0.002%). This sequence change replaces arginine with histidine at codon 373 of the SKI protein (p.Arg373His). The arginine residue is moderately conserved and there is a small physicochemical difference between arginine and histidine.

NM_003036.4(SKI):c.1118G>A (p.Arg373His)

Gene: SKI (SKI proto-oncogene; plus strand). Cytogenetic location: 1p36.32.
Variant type: single nucleotide variant.
Coding change: c.1118G>A on transcript NM_003036.4 (MANE Select); coding-DNA position 1118, G replaced by A.
Protein change: p.Arg373His; replaces arginine 373 with histidine.
Molecular consequence: missense variant.
Genome position (GRCh38, 1-based): chr1:2,303,307, G>A. VCF-style: chr1-2303307-G-A. GRCh37 (hg19) VCF-style: chr1-2234746-G-A.
Other names: short protein forms R373H.
Identifiers: ClinVar variation 968648 (VCV000968648.11), dbSNP rs768924434, ClinGen allele CA536590.